The following is an entry in ClinVar:

NM_001942.4(DSG1):c.2018C>G (p.Ser673Cys)

Genes: DSG1 (desmoglein 1; plus strand), DSG1-AS1 (DSG1 antisense RNA 1; minus strand). Cytogenetic location: 18q12.1.
Variant type: single nucleotide variant.
Coding change: c.2018C>G on transcript NM_001942.4 (MANE Select); coding-DNA position 2018, C replaced by G.
Protein change: p.Ser673Cys; replaces serine 673 with cysteine.
Molecular consequence: missense variant.
Genome position (GRCh38, 1-based): chr18:31,346,116, C>G. VCF-style: chr18-31346116-C-G. GRCh37 (hg19) VCF-style: chr18-28926079-C-G.
Other names: c.2018C>G (NM_001942.2); short protein forms S673C.
Identifiers: ClinVar variation 2025677 (VCV002025677.5), dbSNP rs1488857806, ClinGen allele CA402118870.

ClinVar aggregate classification (germline): Uncertain significance. Review status: criteria provided, multiple submitters, no conflicts (2 of 4 stars). 2 submissions from 2 submitters: Uncertain significance (2). Last evaluated 2025-08-24.

Conditions:
Inborn genetic diseases. Identifiers: MedGen C0950123, MeSH D030342.

Allele frequency attached by ClinVar (database versions not stated): gnomAD 0.00001; TOPMed 0.00001.
gnomAD v4.1: 1 of 1,613,624 alleles (0.000062%); highest among the groups gnomAD compares: African/African-American, 0.0013%; no homozygotes.

Submissions (2):

Ambry Genetics
Classification: Uncertain significance for Inborn genetic diseases. Last evaluated: 2025-08-24. Review status: criteria provided, single submitter. Criteria: Ambry Variant Classification Scheme 2023. Collection method: clinical testing. Allele origin: germline.

Labcorp Genetics (formerly Invitae), Labcorp
Classification: Uncertain significance. Last evaluated: 2024-02-01. Review status: criteria provided, single submitter. Criteria: Invitae Variant Classification Sherloc (09022015). Collection method: clinical testing. Allele origin: germline.
Comment: This sequence change replaces serine, which is neutral and polar, with cysteine, which is neutral and slightly polar, at codon 673 of the DSG1 protein (p.Ser673Cys). This variant is not present in population databases (gnomAD no frequency). This variant has not been reported in the literature in individuals affected with DSG1-related conditions. ClinVar contains an entry for this variant (Variation ID: 2025677). Advanced modeling of protein sequence and biophysical properties (such as structural, functional, and spatial information, amino acid conservation, physicochemical variation, residue mobility, and thermodynamic stability) performed at Invitae indicates that this missense variant is not expected to disrupt DSG1 protein function with a negative predictive value of 80%. In summary, the available evidence is currently insufficient to determine the role of this variant in disease. Therefore, it has been classified as a Variant of Uncertain Significance.